The following is an entry in ClinVar:

NM_000166.6(GJB1):c.-109C>T

Gene: GJB1 (gap junction protein beta 1; plus strand). Cytogenetic location: Xq13.1.
Variant type: single nucleotide variant.
Coding change: c.-109C>T on transcript NM_000166.6 (MANE Select); 109 bases upstream of the start codon, C replaced by T.
Molecular consequence: 5 prime UTR variant. On other transcripts: intron variant (1).
Genome position (GRCh38, 1-based): chrX:71,223,243, C>T. VCF-style: chrX-71223243-C-T. GRCh37 (hg19) VCF-style: chrX-70443093-C-T.
Other names: c.-16-449C>T (NM_001097642.3).
Identifiers: ClinVar variation 3049465 (VCV003049465.2), dbSNP rs746618959, ClinGen allele CA330997546.

ClinVar aggregate classification (germline): Likely benign (0 of 4 stars; one submission).

Conditions:
GJB1-related disorder. Also called: GJB1-related disorders; GJB1-related condition.

Allele frequency attached by ClinVar (database versions not stated): gnomAD exomes 0.00009; 1000 Genomes Project 30x 0.00021; 1000 Genomes Project 0.00026; gnomAD 0.00029; TOPMed 0.00045.

Submission:

PreventionGenetics, part of Exact Sciences
Classification: Likely benign for GJB1-related condition. Last evaluated: 2019-07-11. Review status: no assertion criteria provided. Collection method: clinical testing. Allele origin: germline.
Comment: This variant is classified as likely benign based on ACMG/AMP sequence variant interpretation guidelines (Richards et al. 2015 PMID: 25741868, with internal and published modifications).